The following is an entry in ClinVar:

ClinVar aggregate classification (germline): Uncertain significance (1 of 4 stars; one submission).

Conditions:
Leber congenital amaurosis 1 (LCA1). Also called: Congenital absence of the rods and cones; Leber's congenital tapetoretinal degeneration; Leber's congenital tapetoretinal dysplasia; AMAUROSIS CONGENITA OF LEBER I; RETINAL BLINDNESS, CONGENITAL. Identifiers: Orphanet 65, MedGen C2931258, MONDO:0008764, OMIM 204000.
Cone-rod dystrophy 6 (CORD6). Also called: Cone dystrophy progressive; RETINAL CONE DYSTROPHY 2. Identifiers: Orphanet 1872, MedGen C1866293, MONDO:0011143, OMIM 601777.

Allele frequency attached by ClinVar (database versions not stated): gnomAD exomes below 0.00001.
gnomAD v4.1: 2 of 1,614,126 alleles (0.00012%); highest among the groups gnomAD compares: Non-Finnish European, 0.00017%; no homozygotes.

Submission:

Labcorp Genetics (formerly Invitae), Labcorp
Classification: Uncertain significance for Leber congenital amaurosis 1; Cone-rod dystrophy 6. Last evaluated: 2021-09-01. Review status: criteria provided, single submitter. Criteria: Invitae Variant Classification Sherloc (09022015). Collection method: clinical testing. Allele origin: germline.
Comment: This sequence change replaces tyrosine with cysteine at codon 875 of the GUCY2D protein (p.Tyr875Cys). The tyrosine residue is highly conserved and there is a large physicochemical difference between tyrosine and cysteine. This variant is not present in population databases (ExAC no frequency). This variant has not been reported in the literature in individuals affected with GUCY2D-related conditions. Algorithms developed to predict the effect of missense changes on protein structure and function (SIFT, PolyPhen-2, Align-GVGD) all suggest that this variant is likely to be disruptive. In summary, the available evidence is currently insufficient to determine the role of this variant in disease. Therefore, it has been classified as a Variant of Uncertain Significance.

NM_000180.4(GUCY2D):c.2624A>G (p.Tyr875Cys)

Gene: GUCY2D (guanylate cyclase 2D, retinal; plus strand). Cytogenetic location: 17p13.1.
Variant type: single nucleotide variant.
Coding change: c.2624A>G on transcript NM_000180.4 (MANE Select); coding-DNA position 2624, A replaced by G.
Protein change: p.Tyr875Cys; replaces tyrosine 875 with cysteine.
Molecular consequence: missense variant.
Genome position (GRCh38, 1-based): chr17:8,014,906, A>G. VCF-style: chr17-8014906-A-G. GRCh37 (hg19) VCF-style: chr17-7918224-A-G.
Other names: short protein forms Y875C.
Identifiers: ClinVar variation 1057839 (VCV001057839.6), dbSNP rs1300820031, ClinGen allele CA397953957.